The following is an entry in ClinVar:

NM_013275.6(ANKRD11):c.4964A>G (p.Lys1655Arg)

Gene: ANKRD11 (ankyrin repeat domain 11; minus strand). Cytogenetic location: 16q24.3.
Variant type: single nucleotide variant.
Coding change: c.4964A>G on transcript NM_013275.6 (MANE Select); coding-DNA position 4964, A replaced by G.
Protein change: p.Lys1655Arg; replaces lysine 1655 with arginine.
Molecular consequence: missense variant.
Genome position (GRCh38, 1-based): chr16:89,281,578, T>C on the plus strand (A>G on the coding strand, the complement: ANKRD11 is on the minus strand). VCF-style: chr16-89281578-T-C. GRCh37 (hg19) VCF-style: chr16-89347986-T-C.
Other names: c.4964A>G, p.Lys1655Arg (NM_001256182.2, NM_001256183.2); short protein forms K1655R.
Identifiers: ClinVar variation 1744430 (VCV001744430.5), dbSNP rs770892853, ClinGen allele CA8241999.

ClinVar aggregate classification (germline): Uncertain significance. Review status: criteria provided, multiple submitters, no conflicts (2 of 4 stars). 2 submissions from 2 submitters: Uncertain significance (2). Last evaluated 2023-01-09.

Conditions:
Inborn genetic diseases. Identifiers: MedGen C0950123, MeSH D030342.
KBG syndrome (KBGS). Also called: ANKRD11-Related KBG Syndrome. Identifiers: Orphanet 2332, MedGen C0220687, MONDO:0007846, OMIM 148050.

Allele frequency attached by ClinVar (database versions not stated): TOPMed below 0.00001; ExAC 0.00001; gnomAD 0.00001.
gnomAD v4.1: 13 of 1,614,062 alleles (0.00081%); highest among the groups gnomAD compares: African/African-American, 0.011%; 2 homozygotes.

Submissions (2):

Labcorp Genetics (formerly Invitae), Labcorp
Classification: Uncertain significance for KBG syndrome. Last evaluated: 2023-01-09. Review status: criteria provided, single submitter. Criteria: Invitae Variant Classification Sherloc (09022015). Collection method: clinical testing. Allele origin: germline.
Comment: In summary, the available evidence is currently insufficient to determine the role of this variant in disease. Therefore, it has been classified as a Variant of Uncertain Significance. Advanced modeling of protein sequence and biophysical properties (such as structural, functional, and spatial information, amino acid conservation, physicochemical variation, residue mobility, and thermodynamic stability) performed at Invitae indicates that this missense variant is not expected to disrupt ANKRD11 protein function. ClinVar contains an entry for this variant (Variation ID: 1744430). This variant has not been reported in the literature in individuals affected with ANKRD11-related conditions. This variant is present in population databases (rs770892853, gnomAD 0.006%). This sequence change replaces lysine, which is basic and polar, with arginine, which is basic and polar, at codon 1655 of the ANKRD11 protein (p.Lys1655Arg).

Ambry Genetics
Classification: Uncertain significance for Inborn genetic diseases. Last evaluated: 2020-01-03. Review status: criteria provided, single submitter. Criteria: Ambry Variant Classification Scheme 2023. Collection method: clinical testing. Allele origin: germline.
Comment: The p.K1655R variant (also known as c.4964A>G), located in coding exon 7 of the ANKRD11 gene, results from an A to G substitution at nucleotide position 4964. The lysine at codon 1655 is replaced by arginine, an amino acid with highly similar properties. This amino acid position is highly conserved in available vertebrate species. In addition, this alteration is predicted to be tolerated by in silico analysis. Since supporting evidence is limited at this time, the clinical significance of this alteration remains unclear.